The following is an entry in ClinVar:

NM_001134407.3(GRIN2A):c.703G>T (p.Glu235Ter)

Gene: GRIN2A (glutamate ionotropic receptor NMDA type subunit 2A; minus strand). Cytogenetic location: 16p13.2.
Variant type: single nucleotide variant.
Coding change: c.703G>T on transcript NM_001134407.3 (MANE Select); coding-DNA position 703, G replaced by T.
Protein change: p.Glu235Ter; replaces glutamic acid 235 with a stop codon.
Molecular consequence: nonsense.
Genome position (GRCh38, 1-based): chr16:9,938,263, C>A on the plus strand (G>T on the coding strand, the complement: GRIN2A is on the minus strand). VCF-style: chr16-9938263-C-A. GRCh37 (hg19) VCF-style: chr16-10032120-C-A.
Other names: c.703G>T, p.Glu235Ter (NM_000833.5, NM_001134408.2); short protein forms E235*.
Identifiers: ClinVar variation 928559 (VCV000928559.2), dbSNP rs2044763223, ClinGen allele CA394798680.

ClinVar aggregate classification (germline): Likely pathogenic (1 of 4 stars; one submission).

Conditions:
Landau-Kleffner syndrome (FESD). Also called: EPILEPSY, FOCAL, WITH SPEECH DISORDER AND WITH OR WITHOUT MENTAL RETARDATION; APHASIA, ACQUIRED, WITH EPILEPSY. Identifiers: Orphanet 1945, Orphanet 725, Orphanet 98818, MedGen C0282512, MONDO:0009509, OMIM 245570.

Submission:

Women's Health and Genetics/Laboratory Corporation of America, LabCorp
Classification: Likely pathogenic for Landau-Kleffner syndrome. Last evaluated: 2021-05-13. Review status: criteria provided, single submitter. Criteria: LabCorp Variant Classification Summary - May 2015. Collection method: clinical testing. Allele origin: germline.
Comment: Variant summary: GRIN2A c.703G>T (p.Glu235X) results in a premature termination codon, predicted to cause a truncation of the encoded protein or absence of the protein due to nonsense mediated decay, which are commonly known mechanisms for disease. The variant was absent in 250970 control chromosomes (gnomAD). To our knowledge, no occurrence of c.703G>T in individuals affected with Epilepsy, Focal, With Speech Disorder And With Or Without Mental Retardation and no experimental evidence demonstrating its impact on protein function have been reported. No other clinical diagnostic laboratories have submitted clinical-significance assessments for this variant to ClinVar after 2014. Based on the evidence outlined above, the variant was classified as likely pathogenic.